The following is an entry in ClinVar:

NM_014714.4(IFT140):c.1565G>A (p.Gly522Glu)

Gene: IFT140 (intraflagellar transport 140; minus strand). Cytogenetic location: 16p13.3.
Variant type: single nucleotide variant.
Coding change: c.1565G>A on transcript NM_014714.4 (MANE Select); coding-DNA position 1565, G replaced by A.
Protein change: p.Gly522Glu; replaces glycine 522 with glutamic acid.
Molecular consequence: missense variant.
Genome position (GRCh38, 1-based): chr16:1,571,494, C>T on the plus strand (G>A on the coding strand, the complement: IFT140 is on the minus strand). VCF-style: chr16-1571494-C-T. GRCh37 (hg19) VCF-style: chr16-1621495-C-T.
Other names: short protein forms G522E.
Identifiers: ClinVar variation 97054 (VCV000097054.36), dbSNP rs199826737, ClinGen allele CA149748.

ClinVar aggregate classification (germline): Conflicting classifications of pathogenicity. Review status: criteria provided, conflicting classifications (1 of 4 stars). 17 submissions from 15 submitters: Pathogenic (7); Likely pathogenic (6); Uncertain significance (1). 3 of the submissions do not count toward it. Last evaluated 2026-08-06.

Conditions:
IFT140-related disorders.
Saldino-Mainzer syndrome (SRTD9). Also called: Renal dysplasia, retinal pigmentary dystrophy, cerebellar ataxia and skeletal dysplasia; SHORT-RIB THORACIC DYSPLASIA 9 WITHOUT POLYDACTYLY; short-rib thoracic dysplasia 9 with or without polydactyly; CONORENAL SYNDROME. Identifiers: Orphanet 140969, MedGen C1849437, MONDO:0009964, OMIM 266920.
Retinitis pigmentosa 80 (RP80). Identifiers: MedGen C4540439, MONDO:0054708, OMIM 617781.
Cranioectodermal dysplasia 5. Identifiers: MedGen C6011237, MONDO:0976269, OMIM 621180.
IFT140-related disorder. Also called: IFT140-related condition.
Retinal dystrophy. Also called: Inherited retinal dystrophy. Identifiers: Orphanet 71862, MedGen C0854723, MeSH D058499, MONDO:0019118, HP:0000556.
Retinitis pigmentosa (RP). Identifiers: Orphanet 791, MedGen C0035334, MeSH D012174, MONDO:0019200, OMIM 268000. Inheritance: Autosomal dominant, autosomal recessive and X linked inheritance.

Allele frequency attached by ClinVar (database versions not stated): gnomAD 0.00009; gnomAD exomes 0.00010 and 0.00013; TOPMed 0.00011; ExAC 0.00014.
gnomAD v4.1: 157 of 1,613,824 alleles (0.0097%); highest among the groups gnomAD compares: Non-Finnish European, 0.011%; no homozygotes.

Submissions 1 to 10 of 17:

PreventionGenetics, part of Exact Sciences
Classification: Likely pathogenic for IFT140-related condition. Last evaluated: 2026-08-06. Review status: criteria provided, single submitter. Criteria: ACMG Guidelines, 2015. Collection method: clinical testing. Allele origin: germline.
Comment: The IFT140 c.1565G>A variant is predicted to result in the amino acid substitution p.Gly522Glu. This variant was reported in the compound heterozygous state along with a second potentially causative variant in two unrelated individuals with Jeune asphyxiating thoracic dystrophy (Schmidts et al. 2013. PubMed ID: 23418020) and in several individuals with cranioectodermal dysplasia (Walczak-Sztulpa et al. 2020. PubMed ID: 32007091; Sharova et al. 2023. PubMed ID: 37628605). This variant was also described, with a second causative variant in the same gene, in an individual with retinal disease (Supplementary Table 1, Weisschuh et al. 2024. PubMed ID: 37734845). This variant was also reported in one patient with Mainzer-Saldino syndrome (Geoffroy et al. 2018. PubMed ID: 29688594). In addition, this variant was also reported in an individual with the autosomal dominant polycystic kidney-spectrum phenotype (Senum et al. 2021. PubMed ID: 34890546). This variant is reported in 0.029% of alleles in individuals of Ashkenazi Jewish descent in gnomAD. This variant is interpreted as likely pathogenic for both autosomal recessive and dominant IFT140-related disorders.

Labcorp Genetics (formerly Invitae), Labcorp
Classification: Pathogenic for Saldino-Mainzer syndrome. Last evaluated: 2026-01-28. Review status: criteria provided, single submitter. Criteria: Invitae Variant Classification Sherloc (09022015). Collection method: clinical testing. Allele origin: germline.
Comment: This sequence change replaces glycine, which is neutral and non-polar, with glutamic acid, which is acidic and polar, at codon 522 of the IFT140 protein (p.Gly522Glu). This variant is present in population databases (rs199826737, gnomAD 0.03%). This missense change has been observed in individual(s) with Jeune asphyxiating thoracic dystrophy, Mainzer-Saldino syndrome, or retinitis pigmentosa (PMID: 23418020, 26766544, 29688594). In at least one individual the data is consistent with being in trans (on the opposite chromosome) from a pathogenic variant. ClinVar contains an entry for this variant (Variation ID: 97054). Invitae Evidence Modeling of protein sequence and biophysical properties (such as structural, functional, and spatial information, amino acid conservation, physicochemical variation, residue mobility, and thermodynamic stability) has been performed for this missense variant. However, the output from this modeling did not meet the statistical confidence thresholds required to predict the impact of this variant on IFT140 protein function. For these reasons, this variant has been classified as Pathogenic.

GeneDx
Classification: Likely pathogenic. Last evaluated: 2025-09-06. Review status: criteria provided, single submitter. Criteria: GeneDx Variant Classification Process June 2021. Collection method: clinical testing. Allele origin: germline. Affected: yes.
Comment: In silico analysis supports that this missense variant has a deleterious effect on protein structure/function; This variant is associated with the following publications: (PMID: 32531858, 34758253, 22503633, 26216056, 26766544, 32007091, 31397098, 28741273, 31964843, 34890546, 29688594, Leonhard2023[FunctionalStudy], 23418020, 37734845, 37628605, 39880085, 38927725, 38927562, 39927556, 37230223, 39594267, 34596737)

Blueprint Genetics
Classification: Pathogenic for IFT140-related disorders. Last evaluated: 2024-07-01. Review status: criteria provided, single submitter. Criteria: ACMG Guidelines, 2015. Collection method: clinical testing. Allele origin: germline. Affected: yes. Observed: 5 variant alleles.

Fulgent Genetics
Classification: Pathogenic for Saldino-Mainzer syndrome; Retinitis pigmentosa 80. Last evaluated: 2024-03-28. Review status: criteria provided, single submitter. Criteria: ACMG Guidelines, 2015. Collection method: clinical testing. Allele origin: germline.

Victorian Clinical Genetics Services, Murdoch Childrens Research Institute
Classification: Pathogenic for Saldino-Mainzer syndrome. Last evaluated: 2023-07-17. Review status: criteria provided, single submitter. Criteria: ACMG Guidelines, 2015. Collection method: clinical testing. Allele origin: germline. Inheritance: Autosomal recessive inheritance. Affected: yes.
Comment: Based on the classification scheme VCGS_Germline_v1.3.4, this variant is classified as Pathogenic. Following criteria are met: 0102 - Loss of function is a known mechanism of disease in this gene and is associated with retinitis pigmentosa 80 (MIM#617781), short-rib thoracic dysplasia 9 with or without polydactyly (MIM#266920) and cystic kidney disease (MONDO#0002473) (PMID: 34890546). (I) 0108 - This gene is associated with both recessive and dominant disease. Retinitis pigmentosa 80 (MIM#617781) and short-rib thoracic dysplasia 9 with or without polydactyly (MIM#266920) are inherited in an autosomal recessive manner, while cystic kidney disease (MONDO#0002473), IFT140-related is inherited in an autosomal dominant manner (OMIM, PMID: 34890546) . (I) 0200 - Variant is predicted to result in a missense amino acid change from glycine to glutamic acid. (I) 0251 - This variant is heterozygous. (I) 0304 - Variant is present in gnomAD (v2) <0.01 (39 heterozygotes, 0 homozygotes). (SP) 0502 - Missense variant with conflicting in silico predictions and uninformative conservation. (I) 0604 - Variant is not located in an established domain, motif, hotspot or informative constraint region. (I) 0801 - This variant has strong previous evidence of pathogenicity in unrelated individuals. This variant has been classified as pathogenic or likely pathogenic by multiple clinical laboratories in ClinVar, and has been observed as compound heterozygous in several individuals with syndromic skeletal dysplasia and renal abnormalities (PMIDs: 32007091, 34596737, 23418020). (SP) 1208 - Inheritance information for this variant is not currently available in this individual. (I) Legend: (SP) - Supporting pathogenic, (I) - Information, (SB) - Supporting benign

Institute of Human Genetics Munich, TUM University Hospital
Classification: Likely pathogenic for Retinitis pigmentosa 80. Last evaluated: 2023-01-05. Review status: criteria provided, single submitter. Criteria: Classification criteria August 2017. Collection method: clinical testing. Allele origin: paternal. Inheritance: Autosomal recessive inheritance. Affected: yes. Observed: 1 variant allele.

Women's Health and Genetics/Laboratory Corporation of America, LabCorp
Classification: Likely pathogenic for Retinitis pigmentosa. Last evaluated: 2022-12-25. Review status: criteria provided, single submitter. Criteria: LabCorp Variant Classification Summary - May 2015. Collection method: clinical testing. Allele origin: germline.
Comment: Variant summary: IFT140 c.1565G>A (p.Gly522Glu) results in a non-conservative amino acid change in the encoded protein sequence. Five of five in-silico tools predict a damaging effect of the variant on protein function. The variant allele was found at a frequency of 0.00013 in 251382 control chromosomes. This frequency is not significantly higher than estimated for a pathogenic variant in IFT140 causing Retinitis Pigmentosa (0.00013 vs 0.00063), allowing no conclusion about variant significance. c.1565G>A has been reported in the literature as a biallelic compound heterozygous genotype in multiple comprehensively genotyped individuals affected with features of IFT140-related disorders such as Jeune asphyxiating thoracic dystrophy (JATD), inherited retinal disease (IRD) and Mainzer-Saldino syndrome (MSS) (example, Perrault_2012, Schmidts_2013, Weisschuh_2020, Geoffroy_2018, Senum_2022). These data indicate that the variant is likely to be associated with disease. To our knowledge, no experimental evidence demonstrating an impact on protein function has been reported. Eight clinical diagnostic laboratories have submitted clinical-significance assessments for this variant to ClinVar after 2014 without evidence for independent evaluation. Multiple laboratories reported the variant with conflicting assessments (P/LP, n=6; VUS, n=2). Based on the evidence outlined above, the variant was classified as likely pathogenic.

Institute of Human Genetics, Univ. Regensburg, Univ. Regensburg
Classification: Likely pathogenic for Retinal dystrophy. Last evaluated: 2022-01-01. Review status: criteria provided, single submitter. Criteria: ACMG Guidelines, 2015. Collection method: clinical testing. Allele origin: germline. Affected: yes.

Institute for Clinical Genetics, University Hospital TU Dresden, University Hospital TU Dresden
Classification: Likely pathogenic. Last evaluated: 2021-11-03. Review status: criteria provided, single submitter. Criteria: ACMG Guidelines, 2015. Collection method: clinical testing. Allele origin: germline.